The following is an entry in ClinVar:

ClinVar aggregate classification (germline): Uncertain significance. Review status: criteria provided, multiple submitters, no conflicts (2 of 4 stars). 7 submissions from 7 submitters: Uncertain significance (7). Last evaluated 2026-09-01.

Conditions:
Familial cold autoinflammatory syndrome 3 (FCAS3). Also called: ANTIBODY DEFICIENCY AND IMMUNE DYSREGULATION, PLCG2-ASSOCIATED; FAMILIAL ATYPICAL COLD URTICARIA. Identifiers: Orphanet 300359, MedGen C3280914, MONDO:0013766, OMIM 614468.
Autoinflammation-PLCG2-associated antibody deficiency-immune dysregulation. Also called: Autoinflammation, antibody deficiency, and immune dysregulation syndrome; AUTOINFLAMMATION, ANTIBODY DEFICIENCY, AND IMMUNE DYSREGULATION; Autoinflammation, antibody deficiency, and immune dysregulation, plcg2-associated. Identifiers: Orphanet 324530, MedGen C3553961, MONDO:0013944, OMIM 614878.
PLCG2-related disorder. Also called: PLCG2-related condition.

Allele frequency attached by ClinVar (database versions not stated): gnomAD exomes 0.00010 and 0.00015; TOPMed 0.00014; ExAC 0.00015; gnomAD 0.00015; ESP Exome Variant Server 0.00016.
gnomAD v4.1: 246 of 1,612,758 alleles (0.015%); highest among the groups gnomAD compares: Non-Finnish European, 0.019%; no homozygotes.

Submissions (7):

CeGaT Center for Human Genetics Tuebingen
Classification: Uncertain significance. Last evaluated: 2026-09-01. Review status: criteria provided, single submitter. Criteria: CeGaT Center For Human Genetics Tuebingen Variant Classification Criteria Version 2. Collection method: clinical testing. Allele origin: germline. Affected: yes. Observed: 1 variant allele.

Labcorp Genetics (formerly Invitae), Labcorp
Classification: Uncertain significance for Familial cold autoinflammatory syndrome 3. Last evaluated: 2025-12-03. Review status: criteria provided, single submitter. Criteria: Invitae Variant Classification Sherloc (09022015). Collection method: clinical testing. Allele origin: germline.
Comment: This sequence change replaces glutamic acid, which is acidic and polar, with aspartic acid, which is acidic and polar, at codon 565 of the PLCG2 protein (p.Glu565Asp). This variant is present in population databases (rs375590398, gnomAD 0.02%). This missense change has been observed in individual(s) with immune dysregulation (PMID: 37769878, 39521236). ClinVar contains an entry for this variant (Variation ID: 580136). An algorithm developed to predict the effect of missense changes on protein structure and function (PolyPhen-2) suggests that this variant is likely to be tolerated. Experimental studies have shown that this missense change does not substantially affect PLCG2 function (PMID: 37769878). In summary, the available evidence is currently insufficient to determine the role of this variant in disease. Therefore, it has been classified as a Variant of Uncertain Significance.

PreventionGenetics, part of Exact Sciences
Classification: Uncertain significance for PLCG2-related condition. Last evaluated: 2025-11-07. Review status: criteria provided, single submitter. Criteria: ACMG Guidelines, 2015. Collection method: clinical testing. Allele origin: germline.
Comment: The PLCG2 c.1695G>C variant is predicted to result in the amino acid substitution p.Glu565Asp. This variant has been reported in the heterozygous state in a mother and daughter both with recurrent sinopulmonary infections, antibody deficiency, and recurrent inflammatory episodes that included fever, myalgia, and arthritis, and in an unrelated patient with similar features (Baysac et al. 2024. PubMed ID: 37769878). This variant has also been reported in a large study assessing humoral immunity at a pediatric tertiary center (Supplemental Table 1, Fernandez et al. 2024. PubMed ID: 39521236). A functional study showed that this variant altered in vitro activation (Baysac et al. 2024. PubMed ID: 37769878). This variant is reported in 0.020% of alleles in individuals of European, which may be too common to be causative. Although we suspect that this variant may be benign, at this time, the clinical significance of this variant is uncertain due to the absence of conclusive functional and genetic evidence.

Women's Health and Genetics/Laboratory Corporation of America, LabCorp
Classification: Uncertain significance. Last evaluated: 2025-11-07. Review status: criteria provided, single submitter. Criteria: LabCorp Variant Classification Summary - May 2015. Collection method: clinical testing. Allele origin: germline.
Comment: Variant summary: PLCG2 c.1695G>C (p.Glu565Asp) results in a conservative amino acid change in the encoded protein sequence. Algorithms developed to predict the effect of missense changes on protein structure and function are either unavailable or do not agree on the potential impact of this missense change. The variant allele was found at a frequency of 0.0001 in 249000 control chromosomes. The observed variant frequency exceeds the estimated maximal expected allele frequency for disease-causing variants in PLCG2. c.1695G>C has been observed in individuals affected with Autoinflammation-PLCG2-associated antibody deficiency-immune dysregulation (Baysac_2024, Fernandez_2024). These data indicate that the variant is likely to be associated with disease. To our knowledge, no experimental evidence demonstrating an impact on protein function has been reported. ClinVar contains an entry for this variant (Variation ID: 580136). Based on the evidence outlined above, the variant was classified as uncertain significance.

Blueprint Genetics
Classification: Uncertain significance. Last evaluated: 2024-10-25. Review status: criteria provided, single submitter. Criteria: ACMG Guidelines, 2015. Collection method: clinical testing. Allele origin: germline.

Institute for Clinical Genetics, University Hospital TU Dresden, University Hospital TU Dresden
Classification: Uncertain significance. Last evaluated: 2022-07-11. Review status: criteria provided, single submitter. Criteria: ACMG Guidelines, 2015. Collection method: clinical testing. Allele origin: germline.

Fulgent Genetics
Classification: Uncertain significance for Familial cold autoinflammatory syndrome 3; Autoinflammation-PLCG2-associated antibody deficiency-immune dysregulation. Last evaluated: 2021-10-26. Review status: criteria provided, single submitter. Criteria: ACMG Guidelines, 2015. Collection method: clinical testing. Allele origin: unknown.

Literature cited by the submitters: PubMed 37769878 (cited by Labcorp Genetics (formerly Invitae), Labcorp and Women's Health and Genetics/Laboratory Corporation of America, LabCorp); PubMed 39521236 (cited by Labcorp Genetics (formerly Invitae), Labcorp and Women's Health and Genetics/Laboratory Corporation of America, LabCorp).

NM_002661.5(PLCG2):c.1695G>C (p.Glu565Asp)

Gene: PLCG2 (phospholipase C gamma 2; plus strand). Cytogenetic location: 16q23.3.
Variant type: single nucleotide variant.
Coding change: c.1695G>C on transcript NM_002661.5 (MANE Select); coding-DNA position 1695, G replaced by C.
Protein change: p.Glu565Asp; replaces glutamic acid 565 with aspartic acid.
Molecular consequence: missense variant.
Genome position (GRCh38, 1-based): chr16:81,908,553, G>C. VCF-style: chr16-81908553-G-C. GRCh37 (hg19) VCF-style: chr16-81942158-G-C.
Other names: short protein forms E565D.
Identifiers: ClinVar variation 580136 (VCV000580136.15), dbSNP rs375590398, ClinGen allele CA8193888.